The following is an entry in ClinVar:

ClinVar aggregate classification (germline): Likely benign (1 of 4 stars; one submission).

Submission:

CeGaT Center for Human Genetics Tuebingen
Classification: Likely benign. Last evaluated: 2025-04-01. Review status: criteria provided, single submitter. Criteria: CeGaT Center For Human Genetics Tuebingen Variant Classification Criteria Version 2. Collection method: clinical testing. Allele origin: germline. Affected: yes. Observed: 3 variant alleles.
Comment: MUC21: PM2:Supporting, BP4, BP7

NM_001010909.5(MUC21):c.897A>T (p.Thr299=)

Genes: MUC21 (mucin 21, cell surface associated; plus strand), LOC126859647 (CDK7 strongly-dependent group 2 enhancer GRCh37_chr6:30954612-30955811; plus strand). Cytogenetic location: 6p21.33.
Variant type: single nucleotide variant.
Coding change: c.897A>T on transcript NM_001010909.5 (MANE Select); coding-DNA position 897, A replaced by T.
Protein change: p.Thr299=; no amino-acid change (threonine 299 retained).
Molecular consequence: synonymous variant. On other transcripts: non-coding transcript variant (1).
Genome position (GRCh38, 1-based): chr6:30,987,072, A>T. VCF-style: chr6-30987072-A-T. GRCh37 (hg19) VCF-style: chr6-30954849-A-T.
Other names: c.987A>T, p.Thr329= (NM_001322370.2, NM_001322371.2).
Identifiers: ClinVar variation 2656361 (VCV002656361.24), dbSNP rs2150690053, ClinGen allele CA449782245.